The following is an entry in ClinVar:

ClinVar aggregate classification (germline): Uncertain significance. Review status: criteria provided, multiple submitters, no conflicts (2 of 4 stars). 2 submissions from 2 submitters: Uncertain significance (2). Last evaluated 2024-09-15.

Conditions:
Oligodontia-cancer predisposition syndrome. Also called: TOOTH AGENESIS-COLORECTAL CANCER SYNDROME. Identifiers: Orphanet 300576, MedGen C1837750, MONDO:0012075, OMIM 608615. Disease mechanism: loss of function.
Hereditary cancer-predisposing syndrome. Also called: Hereditary Cancer Syndrome; Tumor predisposition; Hereditary neoplastic syndrome; Neoplastic Syndromes, Hereditary. Identifiers: Orphanet 140162, MedGen C0027672, MeSH D009386, MONDO:0015356.

gnomAD v4.1: 1 of 1,614,242 alleles (0.000062%); highest among the groups gnomAD compares: Non-Finnish European, 0.000085%; no homozygotes.

Submissions (2):

Labcorp Genetics (formerly Invitae), Labcorp
Classification: Uncertain significance for Oligodontia-cancer predisposition syndrome. Last evaluated: 2024-09-15. Review status: criteria provided, single submitter. Criteria: Invitae Variant Classification Sherloc (09022015). Collection method: clinical testing. Allele origin: germline.
Comment: This sequence change replaces glutamic acid, which is acidic and polar, with glutamine, which is neutral and polar, at codon 392 of the AXIN2 protein (p.Glu392Gln). This variant is not present in population databases (gnomAD no frequency). This variant has not been reported in the literature in individuals affected with AXIN2-related conditions. ClinVar contains an entry for this variant (Variation ID: 644763). Invitae Evidence Modeling of protein sequence and biophysical properties (such as structural, functional, and spatial information, amino acid conservation, physicochemical variation, residue mobility, and thermodynamic stability) has been performed for this missense variant. However, the output from this modeling did not meet the statistical confidence thresholds required to predict the impact of this variant on AXIN2 protein function. In summary, the available evidence is currently insufficient to determine the role of this variant in disease. Therefore, it has been classified as a Variant of Uncertain Significance.

Ambry Genetics
Classification: Uncertain significance for Hereditary cancer-predisposing syndrome. Last evaluated: 2022-09-05. Review status: criteria provided, single submitter. Criteria: Ambry Variant Classification Scheme 2023. Collection method: clinical testing. Allele origin: germline.
Comment: The p.E392Q variant (also known as c.1174G>C), located in coding exon 4 of the AXIN2 gene, results from a G to C substitution at nucleotide position 1174. The glutamic acid at codon 392 is replaced by glutamine, an amino acid with highly similar properties. This amino acid position is conserved. In addition, the in silico prediction for this alteration is inconclusive. Since supporting evidence is limited at this time, the clinical significance of this alteration remains unclear.

NM_004655.4(AXIN2):c.1174G>C (p.Glu392Gln)

Gene: AXIN2 (axin 2; minus strand). Cytogenetic location: 17q24.1.
Variant type: single nucleotide variant.
Coding change: c.1174G>C on transcript NM_004655.4 (MANE Select); coding-DNA position 1174, G replaced by C.
Protein change: p.Glu392Gln; replaces glutamic acid 392 with glutamine.
Molecular consequence: missense variant.
Genome position (GRCh38, 1-based): chr17:65,538,229, C>G on the plus strand (G>C on the coding strand, the complement: AXIN2 is on the minus strand). VCF-style: chr17-65538229-C-G. GRCh37 (hg19) VCF-style: chr17-63534347-C-G.
Other names: c.1174G>C (LRG_296t1); c.1174G>C, p.Glu392Gln (NM_001363813.1); short protein forms E392Q.
Identifiers: ClinVar variation 644763 (VCV000644763.11), dbSNP rs765441834, ClinGen allele CA400678213.
Genomic context (GRCh38, chr17:65,538,229, plus strand): 5'-GACGGAAGCAGGAAGAAGGCCTAGGCCGCATTACCTCTCGGATCTGCTGCAGGCGCTCCT[C>G]CAGGCTGTGGCGGCTCTCCAACTCCAGCTTCAGCTTTTCCAGCCTCGAGATCAGCTCAGC-3'
Protein context (NP_004646.3, residues 382-402): KLELESRHSL[Glu392Gln]ERLQQIREDE